The following is an entry in ClinVar:

ClinVar aggregate classification (germline): Benign/Likely benign. Review status: criteria provided, multiple submitters, no conflicts (2 of 4 stars). 4 submissions from 3 submitters: Benign (2); Likely benign (2). Last evaluated 2026-01-05.

Conditions:
Cone-rod dystrophy 11 (CORD11). Identifiers: Orphanet 1872, MedGen C1835865, MONDO:0012483, OMIM 610381.
Age related macular degeneration 6. Identifiers: MedGen C3151060, MONDO:0013406, OMIM 613757.

Allele frequency attached by ClinVar (database versions not stated): gnomAD exomes 0.00027 and 0.00102; ExAC 0.00072; TOPMed 0.00074; 1000 Genomes Project 0.00300; 1000 Genomes Project 30x 0.00328.

Submissions (4):

Labcorp Genetics (formerly Invitae), Labcorp
Classification: Benign. Last evaluated: 2026-01-05. Review status: criteria provided, single submitter. Criteria: Invitae Variant Classification Sherloc (09022015). Collection method: clinical testing. Allele origin: germline.

Blueprint Genetics
Classification: Likely benign. Last evaluated: 2024-11-22. Review status: criteria provided, single submitter. Criteria: ACMG Guidelines, 2015. Collection method: clinical testing. Allele origin: germline.

Illumina Laboratory Services, Illumina
Classification: Benign for Cone-rod dystrophy 11. Last evaluated: 2018-01-13. Review status: criteria provided, single submitter. Criteria: ICSL Variant Classification Criteria 13 December 2019. Collection method: clinical testing. Allele origin: germline.
Comment: This variant was observed in the ICSL laboratory as part of a predisposition screen in an ostensibly healthy population. It had not been previously curated by ICSL or reported in the Human Gene Mutation Database (HGMD: prior to June 1st, 2018), and was therefore a candidate for classification through an automated scoring system. Utilizing variant allele frequency, disease prevalence and penetrance estimates, and inheritance mode, an automated score was calculated to assess if this variant is too frequent to cause the disease. Based on the score and internal cut-off values, a variant classified as benign is not then subjected to further curation. The score for this variant resulted in a classification of benign for this disease.

Illumina Laboratory Services, Illumina
Classification: Likely benign for Age related macular degeneration 6. Last evaluated: 2018-01-13. Review status: criteria provided, single submitter. Criteria: ICSL Variant Classification Criteria 13 December 2019. Collection method: clinical testing. Allele origin: germline.
Comment: This variant was observed in the ICSL laboratory as part of a predisposition screen in an ostensibly healthy population. It had not been previously curated by ICSL or reported in the Human Gene Mutation Database (HGMD: prior to June 1st, 2018), and was therefore a candidate for classification through an automated scoring system. Utilizing variant allele frequency, disease prevalence and penetrance estimates, and inheritance mode, an automated score was calculated to assess if this variant is too frequent to cause the disease. Based on the score and internal cut-off values, a variant classified as likely benign is not then subjected to further curation. The score for this variant resulted in a classification of likely benign for this disease.

NM_001319074.4(RAX2):c.282C>T (p.Ala94=)

Gene: RAX2 (retina and anterior neural fold homeobox 2; minus strand). Cytogenetic location: 19p13.3.
Variant type: single nucleotide variant.
Coding change: c.282C>T on transcript NM_001319074.4 (MANE Select); coding-DNA position 282, C replaced by T.
Protein change: p.Ala94=; no amino-acid change (alanine 94 retained).
Molecular consequence: synonymous variant.
Genome position (GRCh38, 1-based): chr19:3,770,894, G>A on the plus strand (C>T on the coding strand, the complement: RAX2 is on the minus strand). VCF-style: chr19-3770894-G-A. GRCh37 (hg19) VCF-style: chr19-3770892-G-A.
Other names: c.282C>T, p.Ala94= (NM_032753.4).
Identifiers: ClinVar variation 328966 (VCV000328966.14), dbSNP rs201021639, ClinGen allele CA9085056.